The following is an entry in ClinVar:

ClinVar aggregate classification (germline): Uncertain significance (1 of 4 stars; one submission).

Conditions:
Irido-corneo-trabecular dysgenesis (ASGD5). Also called: ANTERIOR SEGMENT DYSGENESIS 5. Identifiers: Orphanet 708, MedGen C0344559, MONDO:0011414, OMIM 604229, HP:0000659.
Aniridia 1 (AN1). Identifiers: Orphanet 250923, MedGen C0344542, MONDO:0024507, OMIM 106210.

Submission:

Labcorp Genetics (formerly Invitae), Labcorp
Classification: Uncertain significance for Aniridia 1; Irido-corneo-trabecular dysgenesis. Last evaluated: 2022-02-11. Review status: criteria provided, single submitter. Criteria: Invitae Variant Classification Sherloc (09022015). Collection method: clinical testing. Allele origin: germline.
Comment: This variant is not present in population databases (gnomAD no frequency). This variant has not been reported in the literature in individuals affected with PAX6-related conditions. Advanced modeling of protein sequence and biophysical properties (such as structural, functional, and spatial information, amino acid conservation, physicochemical variation, residue mobility, and thermodynamic stability) performed at Invitae indicates that this missense variant is not expected to disrupt PAX6 protein function. In summary, the available evidence is currently insufficient to determine the role of this variant in disease. Therefore, it has been classified as a Variant of Uncertain Significance. This sequence change replaces glycine, which is neutral and non-polar, with aspartic acid, which is acidic and polar, at codon 161 of the PAX6 protein (p.Gly161Asp).

NM_001368894.2(PAX6):c.524G>A (p.Gly175Asp)

Gene: PAX6 (paired box 6; minus strand). Cytogenetic location: 11p13.
Variant type: single nucleotide variant.
Coding change: c.524G>A on transcript NM_001368894.2 (MANE Select); coding-DNA position 524, G replaced by A.
Protein change: p.Gly175Asp; replaces glycine 175 with aspartic acid.
Molecular consequence: missense variant. On other transcripts: non-coding transcript variant (2).
Genome position (GRCh38, 1-based): chr11:31,800,732, C>T on the plus strand (G>A on the coding strand, the complement: PAX6 is on the minus strand). VCF-style: chr11-31800732-C-T. GRCh37 (hg19) VCF-style: chr11-31822280-C-T.
Other names: c.482G>A, p.Gly161Asp (NM_000280.6, NM_001127612.3, NM_001258464.2 and 10 more transcripts); c.524G>A, p.Gly175Asp (NM_001258462.3, NM_001258463.2, NM_001310158.2 and 6 more transcripts); c.74G>A, p.Gly25Asp (NM_001310160.2, NM_001310161.3, NM_001368899.2 and 11 more transcripts); c.725G>A, p.Gly242Asp (NM_001368910.2); c.527G>A, p.Gly176Asp (NM_001368911.2); c.599G>A, p.Gly200Asp (NM_001368918.2, NM_001368919.2); c.557G>A, p.Gly186Asp (NM_001368920.2); c.323G>A, p.Gly108Asp (NM_001368921.2, NM_001368922.2, NM_001368923.2 and 4 more transcripts); and 1 more; short protein forms G176D, G186D, G108D, G161D, G200D, G175D, G94D, G242D.
Identifiers: ClinVar variation 1418225 (VCV001418225.6), dbSNP rs1592530260, ClinGen allele CA379958006.
Genomic context (GRCh38, chr11:31,800,732, plus strand): 5'-ATGGCTGCTTGGGTTTTACCTTGCGTAGGTTGCCCTGGCACCGAAGTCCCCGGATACCAA[C>T]CAGGGCGGGTGCCCCAGCTTCCGGTCTGCCCGTTCAACATCCTTAGTTTATCATACATGC-3'
Protein context (NP_001355823.1, residues 165-185): GQTGSWGTRP[Gly175Asp]WYPGTSVPGQ